The following is an entry in ClinVar:

NC_000019.9:g.(?_55667549)_(55668957_?)dup

Gene: TNNI3 (troponin I3, cardiac type; minus strand). Cytogenetic location: 19q13.42.
Variant type: Duplication.
Identifiers: ClinVar variation 2422962 (VCV002422962.3).

ClinVar aggregate classification (germline): Uncertain significance (1 of 4 stars; one submission).

Conditions:
Hypertrophic cardiomyopathy. Also called: HYPERTROPHIC MYOCARDIOPATHY. Identifiers: Orphanet 217569, MedGen C0007194, MeSH D002312, MONDO:0005045, HP:0001639.

Submission:

Labcorp Genetics (formerly Invitae), Labcorp
Classification: Uncertain significance for Hypertrophic cardiomyopathy. Last evaluated: 2021-09-05. Review status: criteria provided, single submitter. Criteria: Invitae Variant Classification Sherloc (09022015). Collection method: clinical testing. Allele origin: germline.
Comment: This variant results in a copy number gain of the genomic region encompassing exon(s) 1-5 of the TNNI3 gene. This region includes the initiator codon of the gene. This copy number gain extends beyond the assayed region for this gene and therefore may encompass additional genes. As the precise location of this event is unknown, it may be in tandem or it may be located elsewhere in the genome. This variant has not been reported in the literature in individuals affected with TNNI3-related conditions. Experimental studies and prediction algorithms are not available or were not evaluated, and the functional significance of this variant is currently unknown. In summary, the available evidence is currently insufficient to determine the role of this variant in disease. Therefore, it has been classified as a Variant of Uncertain Significance.